The following is an entry in ClinVar:

NM_004371.4(COPA):c.1003T>C (p.Tyr335His)

Gene: COPA (coat protein complex I subunit alpha; minus strand). Cytogenetic location: 1q23.2.
Variant type: single nucleotide variant.
Coding change: c.1003T>C on transcript NM_004371.4 (MANE Select); coding-DNA position 1003, T replaced by C.
Protein change: p.Tyr335His; replaces tyrosine 335 with histidine.
Molecular consequence: missense variant.
Genome position (GRCh38, 1-based): chr1:160,311,941, A>G on the plus strand (T>C on the coding strand, the complement: COPA is on the minus strand). VCF-style: chr1-160311941-A-G. GRCh37 (hg19) VCF-style: chr1-160281731-A-G.
Other names: c.1003T>C, p.Tyr335His (NM_001098398.2); short protein forms Y335H.
Identifiers: ClinVar variation 3617745 (VCV003617745.2).

ClinVar aggregate classification (germline): Uncertain significance (1 of 4 stars; one submission).

Conditions:
Autoimmune interstitial lung disease-arthritis syndrome. Also called: Autoinflammation and autoimmunity, systemic, with immune dysregulation. Identifiers: Orphanet 444092, MedGen C5975714, MONDO:0014629.

gnomAD v4.1: 2 of 1,614,114 alleles (0.00012%); highest among the groups gnomAD compares: Admixed American, 0.0033%; no homozygotes.

Submission:

Labcorp Genetics (formerly Invitae), Labcorp
Classification: Uncertain significance for Autoimmune interstitial lung disease-arthritis syndrome. Last evaluated: 2025-10-04. Review status: criteria provided, single submitter. Criteria: Invitae Variant Classification Sherloc (09022015). Collection method: clinical testing. Allele origin: germline.
Comment: This sequence change replaces tyrosine, which is neutral and polar, with histidine, which is basic and polar, at codon 335 of the COPA protein (p.Tyr335His). This variant is present in population databases (rs780845772, gnomAD 0.006%). This variant has not been reported in the literature in individuals affected with COPA-related conditions. ClinVar contains an entry for this variant (Variation ID: 3617745). Invitae Evidence Modeling of protein sequence and biophysical properties (such as structural, functional, and spatial information, amino acid conservation, physicochemical variation, residue mobility, and thermodynamic stability) indicates that this missense variant is expected to disrupt COPA protein function with a positive predictive value of 80%. In summary, the available evidence is currently insufficient to determine the role of this variant in disease. Therefore, it has been classified as a Variant of Uncertain Significance.